The following is an entry in ClinVar:

ClinVar aggregate classification (germline): Uncertain significance. Review status: criteria provided, multiple submitters, no conflicts (2 of 4 stars). 3 submissions from 3 submitters: Uncertain significance (3). Last evaluated 2026-09-03.

Conditions:
PRDM16-related disorder. Also called: PRDM16-related condition.
Left ventricular noncompaction 8 (LVNC8). Identifiers: Orphanet 154, Orphanet 54260, MedGen C3809288, MONDO:0014152, OMIM 615373.

Allele frequency attached by ClinVar (database versions not stated): gnomAD exomes 0.00001 and 0.00002; ExAC 0.00002.
gnomAD v4.1: 7 of 1,613,746 alleles (0.00043%); highest among the groups gnomAD compares: Admixed American, 0.012%; no homozygotes.

Submissions (3):

PreventionGenetics, part of Exact Sciences
Classification: Uncertain significance for PRDM16-related condition. Last evaluated: 2026-09-03. Review status: criteria provided, single submitter. Criteria: ACMG Guidelines, 2015. Collection method: clinical testing. Allele origin: germline.
Comment: The PRDM16 c.3139C>A variant is predicted to result in the amino acid substitution p.His1047Asn. To our knowledge, this variant has not been reported in the literature. This variant is reported in 0.017% of alleles in individuals of Latino descent in gnomAD. At this time, the clinical significance of this variant is uncertain due to the absence of conclusive functional and genetic evidence.

Labcorp Genetics (formerly Invitae), Labcorp
Classification: Uncertain significance for Left ventricular noncompaction 8. Last evaluated: 2021-10-11. Review status: criteria provided, single submitter. Criteria: Invitae Variant Classification Sherloc (09022015). Collection method: clinical testing. Allele origin: germline.
Comment: This variant has not been reported in the literature in individuals affected with PRDM16-related conditions. In summary, the available evidence is currently insufficient to determine the role of this variant in disease. Therefore, it has been classified as a Variant of Uncertain Significance. Algorithms developed to predict the effect of missense changes on protein structure and function (SIFT, PolyPhen-2, Align-GVGD) all suggest that this variant is likely to be disruptive. ClinVar contains an entry for this variant (Variation ID: 423292). This variant is present in population databases (rs766964168, ExAC 0.02%). This sequence change replaces histidine with asparagine at codon 1047 of the PRDM16 protein (p.His1047Asn). The histidine residue is highly conserved and there is a small physicochemical difference between histidine and asparagine.

GeneDx
Classification: Uncertain significance. Last evaluated: 2017-02-06. Review status: criteria provided, single submitter. Criteria: GeneDx Variant Classification (06012015). Collection method: clinical testing. Allele origin: germline. Affected: yes.
Comment: The H1047N variant of uncertain significance in the PRDM16 gene has not been published as pathogenic or been reported as benign to our knowledge. H1047N is not observed at a significant frequency in large population cohorts (Lek et al., 2016; 1000 Genomes Consortium et al., 2015; Exome Variant Server). The H1047N variant is a semi-conservative amino acid substitution, which may impact secondary protein structure as these residues differ in some properties. Moreover, this substitution occurs at a position that is conserved across species, and in silico analysis predicts this variant is probably damaging to the protein structure/function. Nevertheless, no pathogenic missense variants in nearby residues have been reported in the Human Gene Mutation Database (Stenson et al., 2014), indicating that this region of the gene is not known to harbor disease-causing variants.

NM_022114.4(PRDM16):c.3139C>A (p.His1047Asn)

Gene: PRDM16 (PR/SET domain 16; plus strand). Cytogenetic location: 1p36.32.
Variant type: single nucleotide variant.
Coding change: c.3139C>A on transcript NM_022114.4 (MANE Select); coding-DNA position 3139, C replaced by A.
Protein change: p.His1047Asn; replaces histidine 1047 with asparagine.
Molecular consequence: missense variant.
Genome position (GRCh38, 1-based): chr1:3,426,080, C>A. VCF-style: chr1-3426080-C-A. GRCh37 (hg19) VCF-style: chr1-3342644-C-A.
Other names: c.3139C>A, p.His1047Asn (NM_199454.3); short protein forms H1047N.
Identifiers: ClinVar variation 423292 (VCV000423292.10), dbSNP rs766964168, ClinGen allele CA544751.